The following is an entry in ClinVar:

ClinVar aggregate classification (germline): Uncertain significance (1 of 4 stars; one submission).

Submission:

Labcorp Genetics (formerly Invitae), Labcorp
Classification: Uncertain significance. Last evaluated: 2021-08-03. Review status: criteria provided, single submitter. Criteria: Invitae Variant Classification Sherloc (09022015). Collection method: clinical testing. Allele origin: germline.
Comment: This sequence change replaces proline with serine at codon 567 of the ROBO1 protein (p.Pro567Ser). The proline residue is highly conserved and there is a moderate physicochemical difference between proline and serine. In summary, the available evidence is currently insufficient to determine the role of this variant in disease. Therefore, it has been classified as a Variant of Uncertain Significance. Advanced modeling of protein sequence and biophysical properties (such as structural, functional, and spatial information, amino acid conservation, physicochemical variation, residue mobility, and thermodynamic stability) performed at Invitae indicates that this missense variant is expected to disrupt ROBO1 protein function. This variant has not been reported in the literature in individuals affected with ROBO1-related conditions. This variant is not present in population databases (ExAC no frequency).

NM_002941.4(ROBO1):c.1699C>T (p.Pro567Ser)

Gene: ROBO1 (roundabout guidance receptor 1; minus strand). Cytogenetic location: 3p12.3.
Variant type: single nucleotide variant.
Coding change: c.1699C>T on transcript NM_002941.4 (MANE Select); coding-DNA position 1699, C replaced by T.
Protein change: p.Pro567Ser; replaces proline 567 with serine.
Molecular consequence: missense variant.
Genome position (GRCh38, 1-based): chr3:78,668,234, G>A on the plus strand (C>T on the coding strand, the complement: ROBO1 is on the minus strand). VCF-style: chr3-78668234-G-A. GRCh37 (hg19) VCF-style: chr3-78717384-G-A.
Other names: c.1591C>T, p.Pro531Ser (NM_001145845.2, NM_133631.4); short protein forms P567S, P531S.
Identifiers: ClinVar variation 1509788 (VCV001509788.6), dbSNP rs2107703459, ClinGen allele CA353670400.
Genomic context (GRCh38, chr3:78,668,234, plus strand): 5'-AATTCAAATTTGGTTGCCACGATAATGTGACTGTATTTCTGCTGACATCTGTCACTTCAG[G>A]TTTTGATGGGGCACTAGGGATTAAATTTGGGTCAGTAGGTCTTGGAGGCTGAACTGGAAC-3'
Protein context (NP_002932.1, residues 557-577): PNLIPSAPSK[Pro567Ser]EVTDVSRNTV